The following is an entry in ClinVar:

NM_001199107.2(TBC1D24):c.702G>A (p.Val234=)

Gene: TBC1D24 (TBC1 domain family member 24; plus strand). Cytogenetic location: 16p13.3.
Variant type: single nucleotide variant.
Coding change: c.702G>A on transcript NM_001199107.2 (MANE Select); coding-DNA position 702, G replaced by A.
Protein change: p.Val234=; no amino-acid change (valine 234 retained).
Molecular consequence: synonymous variant.
Genome position (GRCh38, 1-based): chr16:2,496,850, G>A. VCF-style: chr16-2496850-G-A. GRCh37 (hg19) VCF-style: chr16-2546851-G-A.
Other names: p.V234V:GTG>GTA; c.702G>A, p.Val234= (NM_020705.3).
Identifiers: ClinVar variation 207487 (VCV000207487.67), dbSNP rs188739853, ClinGen allele CA318996.
Genomic context (GRCh38, chr16:2,496,850, plus strand): 5'-CTGGCTGTTTGGGGAGCTGCCCCTCTGCTACTTCGCCCGGGTCTTTGACGTCTTCCTGGT[G>A]GAGGGCTACAAGGTGCTGTACCGCGTGGCGCTGGCCATCCTCAAGTTCTTCCACAAGGTG-3'
Protein context (NP_001186036.1, residues 224-244): YFARVFDVFL[Val234=]EGYKVLYRVA

ClinVar aggregate classification (germline): Conflicting classifications of pathogenicity. Review status: criteria provided, conflicting classifications (1 of 4 stars). 9 submissions from 9 submitters: Uncertain significance (1); Likely benign (7). 1 of the submissions does not count toward it. Last evaluated 2026-04-01.

Conditions:
Developmental and epileptic encephalopathy, 1 (DEE1). Also called: INFANTILE SPASM SYNDROME, X-LINKED 1; X-linked infantile spasms; West's syndrome; Tonic spasms with clustering, arrest of psychomotor development and hypsarrhythmia on EEG; X-Linked Infantile Spasm Syndrome; Epileptic encephalopathy, early infantile, 1. Identifiers: MedGen C3463992, MONDO:0010632, OMIM 308350. Disease mechanism: loss of function.
Autosomal dominant nonsyndromic hearing loss 65. Also called: Deafness, autosomal dominant 65; TBC1D24-Related Autosomal Dominant Nonsyndromic Hearing Loss (DFNA). Identifiers: Orphanet 90635, MedGen C3892048, MONDO:0014470, OMIM 616044.
TBC1D24-related disorder. Also called: TBC1D24-related disorders; TBC1D24-related condition. Identifiers: MedGen CN381194.
Inborn genetic diseases. Identifiers: MedGen C0950123, MeSH D030342.
Familial infantile myoclonic epilepsy (FIME). Also called: TBC1D24-Related Familial Infantile Myoclonic Epilepsy (FIME); Epilepsy, Myoclonic, Infantile. Identifiers: Orphanet 352582, MedGen C0917800, MONDO:0011506, OMIM 605021.

Allele frequency attached by ClinVar (database versions not stated): TOPMed 0.00023; ESP Exome Variant Server 0.00031.
gnomAD v4.1: 349 of 1,614,114 alleles (0.022%); highest among the groups gnomAD compares: Non-Finnish European, 0.028%; no homozygotes.

Submissions (12):

CeGaT Center for Human Genetics Tuebingen
Classification: Likely benign. Last evaluated: 2026-04-01. Review status: criteria provided, single submitter. Criteria: CeGaT Center For Human Genetics Tuebingen Variant Classification Criteria Version 2. Collection method: clinical testing. Allele origin: germline. Affected: yes. Observed: 14 variant alleles.
Comment: TBC1D24: BP4, BP7

Labcorp Genetics (formerly Invitae), Labcorp
Classification: Likely benign for Developmental and epileptic encephalopathy, 1; Autosomal dominant nonsyndromic hearing loss 65. Last evaluated: 2026-01-19. Review status: criteria provided, single submitter. Criteria: Invitae Variant Classification Sherloc (09022015). Collection method: clinical testing. Allele origin: germline.

Blueprint Genetics
Classification: Likely benign. Last evaluated: 2024-11-13. Review status: criteria provided, single submitter. Criteria: ACMG Guidelines, 2015. Collection method: clinical testing. Allele origin: germline.

Women's Health and Genetics/Laboratory Corporation of America, LabCorp
Classification: Likely benign. Last evaluated: 2024-11-06. Review status: criteria provided, single submitter. Criteria: LabCorp Variant Classification Summary - May 2015. Collection method: clinical testing. Allele origin: germline.

GeneDx
Classification: Likely benign. Last evaluated: 2021-05-26. Review status: criteria provided, single submitter. Criteria: GeneDx Variant Classification Process June 2021. Collection method: clinical testing. Allele origin: germline. Affected: yes.
Comment: This variant is associated with the following publications: (PMID: 27281533)

Ambry Genetics
Classification: Likely benign for Inborn genetic diseases. Last evaluated: 2018-04-03. Review status: criteria provided, single submitter. Criteria: Ambry Variant Classification Scheme 2023. Collection method: clinical testing. Allele origin: germline.

Illumina Laboratory Services, Illumina
Classification: Uncertain significance for Familial infantile myoclonic epilepsy. Last evaluated: 2018-01-13. Review status: criteria provided, single submitter. Criteria: ICSL Variant Classification Criteria 13 December 2019. Collection method: clinical testing. Allele origin: germline.

Laboratory for Molecular Medicine, Mass General Brigham Personalized Medicine
Classification: Likely benign. Last evaluated: 2015-09-17. Review status: criteria provided, single submitter. Criteria: LMM Criteria. Collection method: clinical testing. Allele origin: germline. Observed: 2 variant alleles.
Comment: p.Val234Val in exon 2 of TBC1D24: This variant is not expected to have clinical significance because it does not alter an amino acid residue and is not located within the splice consensus sequence. It has been identified in 0.03% (22/66514) European chromosomes by the Exome Aggregation Consortium (ExAC; dbSNP rs188739853).

PreventionGenetics, part of Exact Sciences
Classification: Likely benign for TBC1D24-related condition. Last evaluated: 2023-06-07. Review status: no assertion criteria provided. Collection method: clinical testing. Allele origin: germline. Not counted in ClinVar's aggregate classification.
Comment: This variant is classified as likely benign based on ACMG/AMP sequence variant interpretation guidelines (Richards et al. 2015 PMID: 25741868, with internal and published modifications).

Dr. Peter K. Rogan Lab, Western University
No classification provided (evidence only). Condition: Sarcoma. Review status: no classification provided. Collection method: in vitro. Allele origin: not applicable. Functional consequence: retained intron. Not counted in ClinVar's aggregate classification.

Dr. Peter K. Rogan Lab, Western University
No classification provided (evidence only). Condition: Nonpapillary renal cell carcinoma. Review status: no classification provided. Collection method: in vitro. Allele origin: not applicable. Functional consequence: retained intron. Not counted in ClinVar's aggregate classification.

Dr. Peter K. Rogan Lab, Western University
No classification provided (evidence only). Condition: Uterine carcinosarcoma. Review status: no classification provided. Collection method: in vitro. Allele origin: not applicable. Functional consequence: retained intron. Not counted in ClinVar's aggregate classification.